The following is an entry in ClinVar:

ClinVar aggregate classification (germline): Likely benign. Review status: criteria provided, multiple submitters, no conflicts (2 of 4 stars). 2 submissions from 2 submitters: Likely benign (2). Last evaluated 2024-02-29.

Conditions:
Familial adenomatous polyposis 1 (FAP1). Also called: FAMILIAL ADENOMATOUS POLYPOSIS 1, ATTENUATED; POLYPOSIS, ADENOMATOUS INTESTINAL. Identifiers: MedGen C2713442, MONDO:0021056, OMIM 175100. Disease mechanism: loss of function.

Submissions (2):

Myriad Genetics, Inc.
Classification: Likely benign for Familial adenomatous polyposis 1. Last evaluated: 2024-02-29. Review status: criteria provided, single submitter. Criteria: Myriad Autosomal Dominant, Autosomal Recessive and X-Linked Classification Criteria (2023). Collection method: clinical testing. Allele origin: unknown.
Comment: This variant is considered likely benign. This variant is intronic and is not expected to impact mRNA splicing.

Labcorp Genetics (formerly Invitae), Labcorp
Classification: Likely benign for Familial adenomatous polyposis 1. Last evaluated: 2023-07-08. Review status: criteria provided, single submitter. Criteria: Invitae Variant Classification Sherloc (09022015). Collection method: clinical testing. Allele origin: germline.

NM_000038.6(APC):c.934-20T>C

Gene: APC (APC regulator of Wnt signaling pathway; plus strand). Cytogenetic location: 5q22.2.
Variant type: single nucleotide variant.
Coding change: c.934-20T>C on transcript NM_000038.6 (MANE Select); 20 bases into the intron before coding-DNA position 934, T replaced by C.
Molecular consequence: intron variant.
Genome position (GRCh38, 1-based): chr5:112,818,946, T>C. VCF-style: chr5-112818946-T-C. GRCh37 (hg19) VCF-style: chr5-112154643-T-C.
Other names: c.934-20T>C (NM_001354895.2, NM_001127510.3, NM_001354896.2); c.964-20T>C (NM_001354897.2); c.964-323T>C (NM_001354902.2); c.880-20T>C (NM_001127511.3); c.859-20T>C (NM_001354898.2); c.859-323T>C (NM_001354904.2); c.85-20T>C (NM_001354906.2); c.934-323T>C (NM_001354903.2); and 3 more.
Identifiers: ClinVar variation 1952154 (VCV001952154.6), dbSNP rs2533032576, ClinGen allele CA2580072451.